The following is an entry in ClinVar:

ClinVar aggregate classification (germline): Pathogenic (1 of 4 stars; one submission).

Conditions:
Tuberous sclerosis 1 (TSC1). Identifiers: Orphanet 805, MedGen C1854465, MONDO:0008612, OMIM 191100.

Submission:

Labcorp Genetics (formerly Invitae), Labcorp
Classification: Pathogenic for Tuberous sclerosis 1. Last evaluated: 2021-02-25. Review status: criteria provided, single submitter. Criteria: Invitae Variant Classification Sherloc (09022015). Collection method: clinical testing. Allele origin: germline.
Comment: This variant is not present in population databases (ExAC no frequency). For these reasons, this variant has been classified as Pathogenic. This variant has not been reported in the literature in individuals with TSC1-related conditions. This sequence change creates a premature translational stop signal (p.Met879*) in the TSC1 gene. It is expected to result in an absent or disrupted protein product. Loss-of-function variants in TSC1 are known to be pathogenic (PMID: 10227394, 17304050).

Literature cited by the submitters: PubMed 10227394; PubMed 17304050.

NM_000368.5(TSC1):c.2635del (p.Glu878_Met879insTer)

Gene: TSC1 (TSC complex subunit 1; minus strand). Cytogenetic location: 9q34.13.
Variant type: Deletion.
Coding change: c.2635del on transcript NM_000368.5 (MANE Select); coding-DNA position 2635, one base deleted (A; older notation c.2635delA).
Protein change: p.Glu878_Met879insTer.
Molecular consequence: nonsense.
Genome position (GRCh38, 1-based): chr9:132,897,601, T deleted on the plus strand (A on the coding strand, the reverse complement: TSC1 is on the minus strand); the first of 3 consecutive T bases (chr9:132,897,601-132,897,603); deleting any one gives the same sequence. VCF-style (leftmost placement, unchanged base first): chr9-132897600-AT-A. GRCh37 (hg19) VCF-style: chr9-135772987-AT-A.
Other names: c.2632del, p.Glu877_Met878insTer (NM_001162426.2); c.2482del, p.Glu827_Met828insTer (NM_001162427.2); c.2272del, p.Glu757_Met758insTer (NM_001362177.2).
Identifiers: ClinVar variation 1456440 (VCV001456440.6), dbSNP rs2131639772, ClinGen allele CA2573144370.